The following is an entry in ClinVar:

ClinVar aggregate classification (germline): Likely benign (1 of 4 stars; one submission).

Allele frequency attached by ClinVar (database versions not stated): 1000 Genomes Project 0.00020; TOPMed 0.00021; ESP Exome Variant Server 0.00023; ExAC 0.00027.
gnomAD v4.1: 444 of 1,614,140 alleles (0.028%); highest among the groups gnomAD compares: Middle Eastern, 0.049%; 1 homozygote.

Submission:

CeGaT Center for Human Genetics Tuebingen
Classification: Likely benign. Last evaluated: 2023-02-01. Review status: criteria provided, single submitter. Criteria: CeGaT Center For Human Genetics Tuebingen Variant Classification Criteria Version 2. Collection method: clinical testing. Allele origin: germline. Affected: yes. Observed: 1 variant allele.
Comment: CST9: BP4, BP7

NM_001008693.3(CST9):c.177C>T (p.Asn59=)

Gene: CST9 (cystatin 9; minus strand). Cytogenetic location: 20p11.21.
Variant type: single nucleotide variant.
Coding change: c.177C>T on transcript NM_001008693.3 (MANE Select); coding-DNA position 177, C replaced by T.
Protein change: p.Asn59=; no amino-acid change (asparagine 59 retained).
Molecular consequence: synonymous variant.
Genome position (GRCh38, 1-based): chr20:23,605,688, G>A on the plus strand (C>T on the coding strand, the complement: CST9 is on the minus strand). VCF-style: chr20-23605688-G-A. GRCh37 (hg19) VCF-style: chr20-23586325-G-A.
Identifiers: ClinVar variation 2652240 (VCV002652240.24), dbSNP rs139668286, ClinGen allele CA9790093.